The following is an entry in ClinVar:

NM_000264.5(PTCH1):c.3758A>C (p.Gln1253Pro)

Gene: PTCH1 (patched 1; minus strand). Cytogenetic location: 9q22.32.
Variant type: single nucleotide variant.
Coding change: c.3758A>C on transcript NM_000264.5 (MANE Select); coding-DNA position 3758, A replaced by C.
Protein change: p.Gln1253Pro; replaces glutamine 1253 with proline.
Molecular consequence: missense variant. On other transcripts: non-coding transcript variant (1).
Genome position (GRCh38, 1-based): chr9:95,449,115, T>G on the plus strand (A>C on the coding strand, the complement: PTCH1 is on the minus strand). VCF-style: chr9-95449115-T-G. GRCh37 (hg19) VCF-style: chr9-98211397-T-G.
Other names: c.3560A>C, p.Gln1187Pro (NM_001083602.3); c.3755A>C, p.Gln1252Pro (NM_001083603.3); c.3305A>C, p.Gln1102Pro (NM_001083604.3, NM_001083605.3, NM_001083606.3 and 1 more transcripts); c.3602A>C, p.Gln1201Pro (NM_001354918.2); short protein forms Q1252P, Q1187P, Q1201P, Q1102P, Q1253P.
Identifiers: ClinVar variation 2039384 (VCV002039384.19), dbSNP rs146390067, ClinGen allele CA374110997.
Genomic context (GRCh38, chr9:95,449,115, plus strand): 5'-GCAGAGTCACTTACAGTGGAGTGGGCGAAGACGGGGTTTTCTGTGGCTTCCACGATCACT[T>G]GGTGGGCAGGGCCTCCCGCGCCCTGCTGGGCCTCGTAGTGCCGAAGCTCCTCGCTGAGGC-3'
Protein context (NP_000255.2, residues 1243-1263): AQQGAGGPAH[Gln1253Pro]VIVEATENPV

ClinVar aggregate classification (germline): Conflicting classifications of pathogenicity. Review status: criteria provided, conflicting classifications (1 of 4 stars). 3 submissions from 3 submitters: Uncertain significance (2); Likely benign (1). Last evaluated 2025-01-14.

Conditions:
Hereditary cancer-predisposing syndrome. Also called: Neoplastic Syndromes, Hereditary; Hereditary neoplastic syndrome; Hereditary Cancer Syndrome; Tumor predisposition. Identifiers: Orphanet 140162, MedGen C0027672, MeSH D009386, MONDO:0015356.
Gorlin syndrome. Also called: Nevoid Basal Cell Carcinoma Syndrome; Basal cell nevus syndrome. Identifiers: Orphanet 377, MedGen C0004779, MONDO:0007187.

gnomAD v4.1: 3 of 1,614,194 alleles (0.00019%); highest among the groups gnomAD compares: Non-Finnish European, 0.00017%; no homozygotes.

Submissions (3):

Ambry Genetics
Classification: Uncertain significance for Hereditary cancer-predisposing syndrome. Last evaluated: 2025-01-14. Review status: criteria provided, single submitter. Criteria: Ambry Variant Classification Scheme 2023. Collection method: clinical testing. Allele origin: germline.
Comment: The p.Q1253P variant (also known as c.3758A>C), located in coding exon 22 of the PTCH1 gene, results from an A to C substitution at nucleotide position 3758. The glutamine at codon 1253 is replaced by proline, an amino acid with similar properties. This amino acid position is conserved. In addition, the in silico prediction for this alteration is inconclusive. Based on the available evidence, the clinical significance of this variant remains unclear.

Labcorp Genetics (formerly Invitae), Labcorp
Classification: Likely benign for Gorlin syndrome. Last evaluated: 2024-12-18. Review status: criteria provided, single submitter. Criteria: Invitae Variant Classification Sherloc (09022015). Collection method: clinical testing. Allele origin: germline.

CeGaT Center for Human Genetics Tuebingen
Classification: Uncertain significance. Last evaluated: 2024-09-01. Review status: criteria provided, single submitter. Criteria: CeGaT Center For Human Genetics Tuebingen Variant Classification Criteria Version 2. Collection method: clinical testing. Allele origin: germline. Affected: yes. Observed: 1 variant allele.